The following is an entry in ClinVar:

ClinVar aggregate classification (germline): Likely benign. Review status: criteria provided, single submitter (1 of 4 stars). 2 submissions from 2 submitters: Likely benign (1). 1 of the submissions does not count toward it. Last evaluated 2024-11-28.

Conditions:
SHOX-related disorder. Also called: SHOX-related condition.

Submissions (2):

Blueprint Genetics
Classification: Likely benign. Last evaluated: 2024-11-28. Review status: criteria provided, single submitter. Criteria: ACMG Guidelines, 2015. Collection method: clinical testing. Allele origin: germline.

PreventionGenetics, part of Exact Sciences
Classification: Benign for SHOX-related condition. Last evaluated: 2021-02-16. Review status: no assertion criteria provided. Collection method: clinical testing. Allele origin: germline. Not counted in ClinVar's aggregate classification.
Comment: This variant is classified as benign based on ACMG/AMP sequence variant interpretation guidelines (Richards et al. 2015 PMID: 25741868, with internal and published modifications).

NM_006883.2(SHOX):c.-636del

Gene: SHOX (SHOX homeobox; plus strand). Cytogenetic location: Xp22.33.
Variant type: Deletion.
Coding change: c.-636del on transcript NM_006883.2; 636 bases upstream of the start codon, one base deleted (T; older notation c.-636delT).
Molecular consequence: 5 prime UTR variant.
Genome position (GRCh38, 1-based): chrX:624,399, T deleted; the last of 13 consecutive T bases (chrX:624,387-624,399); deleting any one gives the same sequence. VCF-style (leftmost placement, unchanged base first): chrX-624386-CT-C. GRCh37 (hg19) VCF-style: chrX-585121-CT-C.
Identifiers: ClinVar variation 3035933 (VCV003035933.3), dbSNP rs55872554, ClinGen allele CA325616483.